The following is an entry in ClinVar:

ClinVar aggregate classification (germline): Uncertain significance (1 of 4 stars; one submission).

Allele frequency attached by ClinVar (database versions not stated): gnomAD exomes below 0.00001.
gnomAD v4.1: 3 of 1,602,832 alleles (0.00019%); highest among the groups gnomAD compares: Non-Finnish European, 0.00026%; no homozygotes.

Submission:

Labcorp Genetics (formerly Invitae), Labcorp
Classification: Uncertain significance. Last evaluated: 2022-10-04. Review status: criteria provided, single submitter. Criteria: Invitae Variant Classification Sherloc (09022015). Collection method: clinical testing. Allele origin: germline.
Comment: In summary, the available evidence is currently insufficient to determine the role of this variant in disease. Therefore, it has been classified as a Variant of Uncertain Significance. Algorithms developed to predict the effect of missense changes on protein structure and function (SIFT, PolyPhen-2, Align-GVGD) all suggest that this variant is likely to be tolerated. This variant has not been reported in the literature in individuals affected with NFATC1-related conditions. This variant is not present in population databases (gnomAD no frequency). This sequence change replaces leucine, which is neutral and non-polar, with valine, which is neutral and non-polar, at codon 231 of the NFATC1 protein (p.Leu231Val).

NM_001278669.2(NFATC1):c.691C>G (p.Leu231Val)

Gene: NFATC1 (nuclear factor of activated T cells 1; plus strand). Cytogenetic location: 18q23.
Variant type: single nucleotide variant.
Coding change: c.691C>G on transcript NM_001278669.2 (MANE Select); coding-DNA position 691, C replaced by G.
Protein change: p.Leu231Val; replaces leucine 231 with valine.
Molecular consequence: missense variant. On other transcripts: intron variant (2).
Genome position (GRCh38, 1-based): chr18:79,410,966, C>G. VCF-style: chr18-79410966-C-G. GRCh37 (hg19) VCF-style: chr18-77170966-C-G.
Other names: c.691C>G, p.Leu231Val (NM_001278670.2, NM_006162.5, NM_172390.3); c.652C>G, p.Leu218Val (NM_001278672.2, NM_001278675.2, NM_172387.3 and 1 more transcripts); c.-191+14615C>G (NM_172388.3); c.-191+10487C>G (NM_001278673.2); short protein forms L218V, L231V.
Identifiers: ClinVar variation 2034080 (VCV002034080.4), dbSNP rs12605457, ClinGen allele CA402828092.